The following is an entry in ClinVar:

ClinVar aggregate classification (germline): Uncertain significance (1 of 4 stars; one submission).

Conditions:
Autosomal recessive limb-girdle muscular dystrophy type 2F (LGMDR6). Also called: Muscular dystrophy limb-girdle with delta-sarcoglyan deficiency; MUSCULAR DYSTROPHY, LIMB-GIRDLE, AUTOSOMAL RECESSIVE 6. Identifiers: Orphanet 219, MedGen C1832525, MONDO:0011028, OMIM 601287. Disease mechanism: Affects gamma-sarcoglycan and also disrupts the integrity of the entire sarcoglycan complex..

Allele frequency attached by ClinVar (database versions not stated): gnomAD exomes below 0.00001.
gnomAD v4.1: 4 of 1,612,126 alleles (0.00025%); highest among the groups gnomAD compares: Non-Finnish European, 0.000085%; no homozygotes.

Submission:

Labcorp Genetics (formerly Invitae), Labcorp
Classification: Uncertain significance for Autosomal recessive limb-girdle muscular dystrophy type 2F. Last evaluated: 2022-06-08. Review status: criteria provided, single submitter. Criteria: Invitae Variant Classification Sherloc (09022015). Collection method: clinical testing. Allele origin: germline.
Comment: This sequence change replaces isoleucine, which is neutral and non-polar, with serine, which is neutral and polar, at codon 44 of the SGCD protein (p.Ile44Ser). In summary, the available evidence is currently insufficient to determine the role of this variant in disease. Therefore, it has been classified as a Variant of Uncertain Significance. Algorithms developed to predict the effect of missense changes on protein structure and function are either unavailable or do not agree on the potential impact of this missense change (SIFT: "Deleterious"; PolyPhen-2: "Probably Damaging"; Align-GVGD: "Class C0"). This variant has not been reported in the literature in individuals affected with SGCD-related conditions. This variant is present in population databases (no rsID available, gnomAD 0.01%).

NM_000337.6(SGCD):c.131T>G (p.Ile44Ser)

Gene: SGCD (sarcoglycan delta; plus strand). Cytogenetic location: 5q33.3.
Variant type: single nucleotide variant.
Coding change: c.131T>G on transcript NM_000337.6 (MANE Select); coding-DNA position 131, T replaced by G.
Protein change: p.Ile44Ser; replaces isoleucine 44 with serine.
Molecular consequence: missense variant.
Genome position (GRCh38, 1-based): chr5:156,344,616, T>G. VCF-style: chr5-156344616-T-G. GRCh37 (hg19) VCF-style: chr5-155771626-T-G.
Other names: c.128T>G, p.Ile43Ser (NM_001128209.2); c.131T>G, p.Ile44Ser (NM_172244.3); short protein forms I44S, I43S.
Identifiers: ClinVar variation 1501046 (VCV001501046.8), dbSNP rs1419851820, ClinGen allele CA362007755.
Genomic context (GRCh38, chr5:156,344,616, plus strand): 5'-AGGTGGGGATTTATGGCTGGCGGAAACGATGCCTGTATTTCTTTGTCCTGCTCCTCATGA[T>G]TTTAATACTGGTGAACTTGGCCATGACCATCTGGATTCTCAAAGTCATGAACTTCACAAT-3'
Protein context (NP_000328.2, residues 34-54): CLYFFVLLLM[Ile44Ser]LILVNLAMTI